The following is an entry in ClinVar:

ClinVar aggregate classification (germline): Likely benign. Review status: criteria provided, multiple submitters, no conflicts (2 of 4 stars). 4 submissions from 4 submitters: Likely benign (3). 1 of the submissions does not count toward it. Last evaluated 2025-10-01.

Conditions:
Inborn genetic diseases. Identifiers: MedGen C0950123, MeSH D030342.
KAT6A-related disorder. Also called: KAT6A-related condition.

Allele frequency attached by ClinVar (database versions not stated): gnomAD 0.00002; ExAC 0.00003; TOPMed 0.00004; gnomAD exomes 0.00005; ESP Exome Variant Server 0.00008.
gnomAD v4.1: 74 of 1,613,546 alleles (0.0046%); highest among the groups gnomAD compares: Middle Eastern, 0.016%; no homozygotes.

Submissions (4):

CeGaT Center for Human Genetics Tuebingen
Classification: Likely benign. Last evaluated: 2025-10-01. Review status: criteria provided, single submitter. Criteria: CeGaT Center For Human Genetics Tuebingen Variant Classification Criteria Version 2. Collection method: clinical testing. Allele origin: germline. Affected: yes. Observed: 1 variant allele.
Comment: KAT6A: PP2, BP4, BS1

Labcorp Genetics (formerly Invitae), Labcorp
Classification: Likely benign. Last evaluated: 2025-05-28. Review status: criteria provided, single submitter. Criteria: Invitae Variant Classification Sherloc (09022015). Collection method: clinical testing. Allele origin: germline.

Ambry Genetics
Classification: Likely benign for Inborn genetic diseases. Last evaluated: 2023-02-14. Review status: criteria provided, single submitter. Criteria: Ambry Variant Classification Scheme 2023. Collection method: clinical testing. Allele origin: germline.

PreventionGenetics, part of Exact Sciences
Classification: Uncertain significance for KAT6A-related condition. Last evaluated: 2024-06-10. Review status: no assertion criteria provided. Collection method: clinical testing. Allele origin: germline. Not counted in ClinVar's aggregate classification.
Comment: The KAT6A c.4723G>A variant is predicted to result in the amino acid substitution p.Gly1575Ser. To our knowledge, this variant has not been reported in the literature. This variant is reported in 0.0080% of alleles in individuals of African descent in gnomAD. At this time, the clinical significance of this variant is uncertain due to the absence of conclusive functional and genetic evidence.

NM_006766.5(KAT6A):c.4723G>A (p.Gly1575Ser)

Gene: KAT6A (lysine acetyltransferase 6A; minus strand). Cytogenetic location: 8p11.21.
Variant type: single nucleotide variant.
Coding change: c.4723G>A on transcript NM_006766.5 (MANE Select); coding-DNA position 4723, G replaced by A.
Protein change: p.Gly1575Ser; replaces glycine 1575 with serine.
Molecular consequence: missense variant.
Genome position (GRCh38, 1-based): chr8:41,933,497, C>T on the plus strand (G>A on the coding strand, the complement: KAT6A is on the minus strand). VCF-style: chr8-41933497-C-T. GRCh37 (hg19) VCF-style: chr8-41791015-C-T.
Other names: c.4723G>A (NM_006766.4, NM_006766.3); short protein forms G1575S.
Identifiers: ClinVar variation 1902696 (VCV001902696.14), dbSNP rs202195747, ClinGen allele CA4729436.